The following is an entry in ClinVar:

ClinVar aggregate classification (germline): Conflicting classifications of pathogenicity. Review status: criteria provided, conflicting classifications (1 of 4 stars). 5 submissions from 5 submitters: Uncertain significance (4); Likely benign (1). Last evaluated 2025-02-25.

Conditions:
Inborn genetic diseases. Identifiers: MedGen C0950123, MeSH D030342.
Leukodystrophy, hypomyelinating, 10. Also called: PYCR2-related microcephaly-progressive leukoencephalopathy. Identifiers: Orphanet 481152, MedGen C4225332, MONDO:0014632, OMIM 616420.

Allele frequency attached by ClinVar (database versions not stated): gnomAD 0.00001 and 0.00002; TOPMed 0.00003; gnomAD exomes 0.00006 and 0.00008; ExAC 0.00010; ESP Exome Variant Server 0.00015.

Submissions (5):

Ambry Genetics
Classification: Uncertain significance for Inborn genetic diseases. Last evaluated: 2025-02-25. Review status: criteria provided, single submitter. Criteria: Ambry Variant Classification Scheme 2023. Collection method: clinical testing. Allele origin: germline.

Genomic Medicine Center of Excellence, King Faisal Specialist Hospital and Research Centre
Classification: Uncertain significance for Leukodystrophy, hypomyelinating, 10. Last evaluated: 2024-04-04. Review status: criteria provided, single submitter. Criteria: ACMG Guidelines, 2015. Collection method: clinical testing. Allele origin: germline.

Labcorp Genetics (formerly Invitae), Labcorp
Classification: Uncertain significance. Last evaluated: 2022-11-14. Review status: criteria provided, single submitter. Criteria: Invitae Variant Classification Sherloc (09022015). Collection method: clinical testing. Allele origin: germline.
Comment: In summary, the available evidence is currently insufficient to determine the role of this variant in disease. Therefore, it has been classified as a Variant of Uncertain Significance. Advanced modeling of protein sequence and biophysical properties (such as structural, functional, and spatial information, amino acid conservation, physicochemical variation, residue mobility, and thermodynamic stability) performed at Invitae indicates that this missense variant is not expected to disrupt PYCR2 protein function. ClinVar contains an entry for this variant (Variation ID: 391197). This variant has not been reported in the literature in individuals affected with PYCR2-related conditions. This variant is present in population databases (rs149894811, gnomAD 0.02%), including at least one homozygous and/or hemizygous individual. This sequence change replaces arginine, which is basic and polar, with cysteine, which is neutral and slightly polar, at codon 54 of the PYCR2 protein (p.Arg54Cys).

CeGaT Center for Human Genetics Tuebingen
Classification: Uncertain significance. Last evaluated: 2018-12-01. Review status: criteria provided, single submitter. Criteria: CeGaT Center For Human Genetics Tuebingen Variant Classification Criteria Version 2. Collection method: clinical testing. Allele origin: germline. Affected: yes. Observed: 1 variant allele.

GeneDx
Classification: Likely benign. Last evaluated: 2017-05-19. Review status: criteria provided, single submitter. Criteria: GeneDx Variant Classification (06012015). Collection method: clinical testing. Allele origin: germline. Affected: yes.
Comment: This variant is considered likely benign or benign based on one or more of the following criteria: it is a conservative change, it occurs at a poorly conserved position in the protein, it is predicted to be benign by multiple in silico algorithms, and/or has population frequency not consistent with disease.

NM_013328.4(PYCR2):c.160C>T (p.Arg54Cys)

Gene: PYCR2 (pyrroline-5-carboxylate reductase 2; minus strand). Cytogenetic location: 1q42.12.
Variant type: single nucleotide variant.
Coding change: c.160C>T on transcript NM_013328.4 (MANE Select); coding-DNA position 160, C replaced by T.
Protein change: p.Arg54Cys; replaces arginine 54 with cysteine.
Molecular consequence: missense variant.
Genome position (GRCh38, 1-based): chr1:225,922,362, G>A on the plus strand (C>T on the coding strand, the complement: PYCR2 is on the minus strand). VCF-style: chr1-225922362-G-A. GRCh37 (hg19) VCF-style: chr1-226110062-G-A.
Other names: c.160C>T, p.Arg54Cys (NM_001271681.2); c.160C>T (NM_013328.2); short protein forms R54C.
Identifiers: ClinVar variation 391197 (VCV000391197.49), dbSNP rs149894811, ClinGen allele CA1420316.
Genomic context (GRCh38, chr1:225,922,362, plus strand): 5'-TATGTGGCTTCACAGCCAGAAACAGGACGTCGCTGTGCTTCACCGTCTCCTTGTTGCTGC[G>A]TGTCAGGTTCACACCCATCTTCTGCAAGAGGAGACTCCCAGCTCACAGTGCTGGAGCAGC-3'
Protein context (NP_037460.2, residues 44-64): ALRKMGVNLT[Arg54Cys]SNKETVKHSD